The following is an entry in ClinVar:

NM_006922.4(SCN3A):c.2176T>C (p.Cys726Arg)

Gene: SCN3A (sodium voltage-gated channel alpha subunit 3; minus strand). Cytogenetic location: 2q24.3.
Variant type: single nucleotide variant.
Coding change: c.2176T>C on transcript NM_006922.4 (MANE Select); coding-DNA position 2176, T replaced by C.
Protein change: p.Cys726Arg; replaces cysteine 726 with arginine.
Molecular consequence: missense variant.
Genome position (GRCh38, 1-based): chr2:165,138,094, A>G on the plus strand (T>C on the coding strand, the complement: SCN3A is on the minus strand). VCF-style: chr2-165138094-A-G. GRCh37 (hg19) VCF-style: chr2-165994604-A-G.
Other names: c.2029T>C, p.Cys677Arg (NM_001081676.2, NM_001081677.2); short protein forms C726R, C677R.
Identifiers: ClinVar variation 970574 (VCV000970574.11), dbSNP rs1235837313, ClinGen allele CA349045431.

ClinVar aggregate classification (germline): Uncertain significance. Review status: criteria provided, multiple submitters, no conflicts (2 of 4 stars). 2 submissions from 2 submitters: Uncertain significance (2). Last evaluated 2024-05-17.

Allele frequency attached by ClinVar (database versions not stated): TOPMed below 0.00001; gnomAD exomes 0.00001.
gnomAD v4.1: 13 of 1,613,372 alleles (0.00081%); highest among the groups gnomAD compares: Non-Finnish European, 0.0011%; no homozygotes.

Submissions (2):

Labcorp Genetics (formerly Invitae), Labcorp
Classification: Uncertain significance. Last evaluated: 2024-05-17. Review status: criteria provided, single submitter. Criteria: Invitae Variant Classification Sherloc (09022015). Collection method: clinical testing. Allele origin: germline.
Comment: This sequence change replaces cysteine, which is neutral and slightly polar, with arginine, which is basic and polar, at codon 726 of the SCN3A protein (p.Cys726Arg). This variant is not present in population databases (gnomAD no frequency). This variant has not been reported in the literature in individuals affected with SCN3A-related conditions. ClinVar contains an entry for this variant (Variation ID: 970574). Advanced modeling of protein sequence and biophysical properties (such as structural, functional, and spatial information, amino acid conservation, physicochemical variation, residue mobility, and thermodynamic stability) performed at Invitae indicates that this missense variant is expected to disrupt SCN3A protein function with a positive predictive value of 80%. In summary, the available evidence is currently insufficient to determine the role of this variant in disease. Therefore, it has been classified as a Variant of Uncertain Significance.

GeneDx
Classification: Uncertain significance. Last evaluated: 2019-09-18. Review status: criteria provided, single submitter. Criteria: GeneDx Variant Classification Process June 2021. Collection method: clinical testing. Allele origin: germline. Affected: yes.
Comment: Not observed in large population cohorts (Lek et al., 2016); In silico analysis, which includes protein predictors and evolutionary conservation, supports a deleterious effect; Has not been previously published as pathogenic or benign to our knowledge